The following is an entry in ClinVar:

NM_000875.5(IGF1R):c.*3192C>T

Gene: IGF1R (insulin like growth factor 1 receptor; plus strand). Cytogenetic location: 15q26.3.
Variant type: single nucleotide variant.
Coding change: c.*3192C>T on transcript NM_000875.5 (MANE Select); 3192 bases downstream of the stop codon, C replaced by T.
Molecular consequence: 3 prime UTR variant.
Genome position (GRCh38, 1-based): chr15:98,960,634, C>T. VCF-style: chr15-98960634-C-T. GRCh37 (hg19) VCF-style: chr15-99503863-C-T.
Other names: c.*3192C>T (NM_001291858.2).
Identifiers: ClinVar variation 885109 (VCV000885109.4), dbSNP rs549132136, ClinGen allele CA275337165.

ClinVar aggregate classification (germline): Likely benign (1 of 4 stars; one submission).

Conditions:
Growth delay due to insulin-like growth factor I resistance. Also called: Insulin-Like Growth Factor I Resistance; Somatomedin end-organ insensitivity to; Somatomedin-c resistance to; IGF-1 resistance; IGF-I RESISTANCE. Identifiers: Orphanet 73273, MedGen C1849157, MONDO:0010038, OMIM 270450.

Allele frequency attached by ClinVar (database versions not stated): gnomAD exomes 0.00114; 1000 Genomes Project 0.00220; 1000 Genomes Project 30x 0.00250; gnomAD 0.00340; TOPMed 0.00352.
gnomAD v4.1: 603 of 233,422 alleles (0.26%); highest among the groups gnomAD compares: African/African-American, 0.83%; 1 homozygote.

Submission:

Illumina Laboratory Services, Illumina
Classification: Likely benign for Growth delay due to insulin-like growth factor I resistance. Last evaluated: 2018-01-12. Review status: criteria provided, single submitter. Criteria: ICSL Variant Classification Criteria 13 December 2019. Collection method: clinical testing. Allele origin: germline.
Comment: This variant was observed in the ICSL laboratory as part of a predisposition screen in an ostensibly healthy population. It had not been previously curated by ICSL or reported in the Human Gene Mutation Database (HGMD: prior to June 1st, 2018), and was therefore a candidate for classification through an automated scoring system. Utilizing variant allele frequency, disease prevalence and penetrance estimates, and inheritance mode, an automated score was calculated to assess if this variant is too frequent to cause the disease. Based on the score and internal cut-off values, a variant classified as likely benign is not then subjected to further curation. The score for this variant resulted in a classification of likely benign for this disease.